The following is an entry in ClinVar:

NM_005413.4(SIX3):c.221C>G (p.Pro74Arg)

Gene: SIX3 (SIX homeobox 3; plus strand). Cytogenetic location: 2p21.
Variant type: single nucleotide variant.
Coding change: c.221C>G on transcript NM_005413.4 (MANE Select); coding-DNA position 221, C replaced by G.
Protein change: p.Pro74Arg; replaces proline 74 with arginine.
Molecular consequence: missense variant.
Genome position (GRCh38, 1-based): chr2:44,942,325, C>G. VCF-style: chr2-44942325-C-G. GRCh37 (hg19) VCF-style: chr2-45169464-C-G.
Other names: short protein forms P74R.
Identifiers: ClinVar variation 1463172 (VCV001463172.7), dbSNP rs771429347, ClinGen allele CA1642293.

ClinVar aggregate classification (germline): Uncertain significance. Review status: criteria provided, multiple submitters, no conflicts (2 of 4 stars). 2 submissions from 2 submitters: Uncertain significance (2). Last evaluated 2026-06-02.

Conditions:
Holoprosencephaly 2 (HPE2). Identifiers: Orphanet 2162, MedGen C1834877, MONDO:0007999, OMIM 157170.

Allele frequency attached by ClinVar (database versions not stated): 1000 Genomes Project 30x 0.00047; gnomAD 0.00019 and 0.00018.
gnomAD v4.1: 269 of 1,593,720 alleles (0.017%); highest among the groups gnomAD compares: Non-Finnish European, 0.02%; no homozygotes.

Submissions (2):

Women's Health and Genetics/Laboratory Corporation of America, LabCorp
Classification: Uncertain significance. Last evaluated: 2026-06-02. Review status: criteria provided, single submitter. Criteria: LabCorp Variant Classification Summary - May 2015. Collection method: clinical testing. Allele origin: germline.
Comment: Variant summary: SIX3 c.221C>G (p.Pro74Arg) results in a non-conservative amino acid change in the encoded protein sequence. Algorithms developed to predict the effect of missense changes on protein structure and function are either unavailable or do not agree on the potential impact of this missense change. The variant allele was found at a frequency of 0.00018 in 218196 control chromosomes. This frequency is not significantly higher than estimated for disease-causing variants in SIX3, allowing no conclusion about variant significance. c.221C>G has been observed in two siblings affected with hypopituitarism, but was also found in unaffected relatives (Gergics_2021, Bando_2023). These report(s) do not provide unequivocal conclusions about association of the variant with SIX3-related conditions. At least one publication reports that the variant results in reduced SIX3-mediated transcriptional activation, however, this does not allow convincing conclusions about the variant effect (Bando_2023). The following publications have been ascertained in the context of this evaluation (PMID: 35951005, 34270938). ClinVar contains an entry for this variant (Variation ID: 1463172). Based on the evidence outlined above, the variant was classified as uncertain significance.

Labcorp Genetics (formerly Invitae), Labcorp
Classification: Uncertain significance for Holoprosencephaly 2. Last evaluated: 2025-11-27. Review status: criteria provided, single submitter. Criteria: Invitae Variant Classification Sherloc (09022015). Collection method: clinical testing. Allele origin: germline.
Comment: This sequence change replaces proline, which is neutral and non-polar, with arginine, which is basic and polar, at codon 74 of the SIX3 protein (p.Pro74Arg). This variant is present in population databases (rs771429347, gnomAD 0.03%), and has an allele count higher than expected for a pathogenic variant. This missense change has been observed in individual(s) with combined pituitary hormone deficiency (PMID: 35951005). ClinVar contains an entry for this variant (Variation ID: 1463172). Invitae Evidence Modeling of protein sequence and biophysical properties (such as structural, functional, and spatial information, amino acid conservation, physicochemical variation, residue mobility, and thermodynamic stability) indicates that this missense variant is not expected to disrupt SIX3 protein function with a negative predictive value of 80%. Experimental studies have shown that this missense change affects SIX3 function (PMID: 35951005). In summary, the available evidence is currently insufficient to determine the role of this variant in disease. Therefore, it has been classified as a Variant of Uncertain Significance.

Literature cited by the submitters: PubMed 35951005 (cited by Women's Health and Genetics/Laboratory Corporation of America, LabCorp and Labcorp Genetics (formerly Invitae), Labcorp); PubMed 34270938 (cited by Women's Health and Genetics/Laboratory Corporation of America, LabCorp).